The following is an entry in ClinVar:

NM_000533.5(PLP1):c.192-69T>C

Genes: RAB9B (RAB9B, member RAS oncogene family; minus strand), PLP1 (proteolipid protein 1; plus strand). Cytogenetic location: Xq22.2.
Variant type: single nucleotide variant.
Coding change: c.192-69T>C on transcript NM_000533.5 (MANE Select); 69 bases into the intron before coding-DNA position 192, T replaced by C.
Molecular consequence: intron variant.
Genome position (GRCh38, 1-based): chrX:103,786,396, T>C. VCF-style: chrX-103786396-T-C. GRCh37 (hg19) VCF-style: chrX-103041325-T-C.
Other names: c.192-69T>C (NM_001128834.3, NM_199478.3); c.27-69T>C (NM_001305004.1).
Identifiers: ClinVar variation 679512 (VCV000679512.1), dbSNP rs200231542, ClinGen allele CA334001166.

ClinVar aggregate classification (germline): Likely benign (1 of 4 stars; one submission).

Allele frequency attached by ClinVar (database versions not stated): 1000 Genomes Project 30x 0.00083; 1000 Genomes Project 0.00106; TOPMed 0.00342; gnomAD 0.00511 and 0.00522; gnomAD exomes 0.00585.
gnomAD v4.1: 6,491 of 1,129,525 alleles (0.57%); highest among the groups gnomAD compares: Non-Finnish European, 0.66%; 26 homozygotes.

Submission:

GeneDx
Classification: Likely benign. Last evaluated: 2018-06-14. Review status: criteria provided, single submitter. Criteria: GeneDx Variant Classification (06012015). Collection method: clinical testing. Allele origin: germline. Affected: yes.
Comment: This variant is considered likely benign or benign based on one or more of the following criteria: it is a conservative change, it occurs at a poorly conserved position in the protein, it is predicted to be benign by multiple in silico algorithms, and/or has population frequency not consistent with disease.